The following is an entry in ClinVar:

NM_001098426.2(SMARCD2):c.500G>A (p.Arg167Gln)

Gene: SMARCD2 (SWI/SNF related BAF chromatin remodeling complex subunit D2; minus strand). Cytogenetic location: 17q23.3.
Variant type: single nucleotide variant.
Coding change: c.500G>A on transcript NM_001098426.2 (MANE Select); coding-DNA position 500, G replaced by A.
Protein change: p.Arg167Gln; replaces arginine 167 with glutamine.
Molecular consequence: missense variant.
Genome position (GRCh38, 1-based): chr17:63,836,989, C>T on the plus strand (G>A on the coding strand, the complement: SMARCD2 is on the minus strand). VCF-style: chr17-63836989-C-T. GRCh37 (hg19) VCF-style: chr17-61914349-C-T.
Other names: c.275G>A, p.Arg92Gln (NM_001330439.1); c.356G>A, p.Arg119Gln (NM_001330440.2); short protein forms R92Q, R119Q, R167Q.
Identifiers: ClinVar variation 2190458 (VCV002190458.2), dbSNP rs377674388, ClinGen allele CA8706474.
Genomic context (GRCh38, chr17:63,836,989, plus strand): 5'-GGCTTTTTGATGGCCTCCTGGATCTCCATCCGCTTGCGAGCAATGGTCTGGTCCAGCTTC[C>T]GCTCAAAAGCCAAGAGATCCATGTACGCCTGAGACTCTGGAACAAGCTCCCGGATCTGAA-3'
Protein context (NP_001091896.1, residues 157-177): QAYMDLLAFE[Arg167Gln]KLDQTIARKR

ClinVar aggregate classification (germline): Uncertain significance (1 of 4 stars; one submission).

Allele frequency attached by ClinVar (database versions not stated): gnomAD exomes below 0.00001; ExAC 0.00001; gnomAD 0.00002; TOPMed 0.00002; ESP Exome Variant Server 0.00016.
gnomAD v4.1: 6 of 1,613,804 alleles (0.00037%); highest among the groups gnomAD compares: African/African-American, 0.0013%; no homozygotes.

Submission:

Labcorp Genetics (formerly Invitae), Labcorp
Classification: Uncertain significance. Last evaluated: 2023-05-15. Review status: criteria provided, single submitter. Criteria: Invitae Variant Classification Sherloc (09022015). Collection method: clinical testing. Allele origin: germline.
Comment: This sequence change replaces arginine, which is basic and polar, with glutamine, which is neutral and polar, at codon 167 of the SMARCD2 protein (p.Arg167Gln). In summary, the available evidence is currently insufficient to determine the role of this variant in disease. Therefore, it has been classified as a Variant of Uncertain Significance. Advanced modeling of protein sequence and biophysical properties (such as structural, functional, and spatial information, amino acid conservation, physicochemical variation, residue mobility, and thermodynamic stability) performed at Invitae indicates that this missense variant is not expected to disrupt SMARCD2 protein function. ClinVar contains an entry for this variant (Variation ID: 2190458). This variant has not been reported in the literature in individuals affected with SMARCD2-related conditions. This variant is present in population databases (rs377674388, gnomAD 0.004%).